The following is an entry in ClinVar:

NM_001128225.3(SLC39A13):c.1043G>A (p.Arg348His)

Gene: SLC39A13 (solute carrier family 39 member 13; plus strand). Cytogenetic location: 11p11.2.
Variant type: single nucleotide variant.
Coding change: c.1043G>A on transcript NM_001128225.3 (MANE Select); coding-DNA position 1043, G replaced by A.
Protein change: p.Arg348His; replaces arginine 348 with histidine.
Molecular consequence: missense variant. On other transcripts: 3 prime UTR variant (1), non-coding transcript variant (1).
Genome position (GRCh38, 1-based): chr11:47,415,290, G>A. VCF-style: chr11-47415290-G-A. GRCh37 (hg19) VCF-style: chr11-47436841-G-A.
Other names: p.Arg341His; c.*40G>A (NM_001330245.2); c.1022G>A, p.Arg341His (NM_152264.5); c.1022G>A (NM_152264.4); short protein forms R348H, R341H.
Identifiers: ClinVar variation 1371385 (VCV001371385.5), dbSNP rs770908923, ClinGen allele CA5976051.

ClinVar aggregate classification (germline): Conflicting classifications of pathogenicity. Review status: criteria provided, conflicting classifications (1 of 4 stars). 3 submissions from 3 submitters: Uncertain significance (2); Likely benign (1). Last evaluated 2023-11-24.

Conditions:
Ehlers-Danlos syndrome, spondylodysplastic type, 3. Also called: Ehlers-Danlos syndrome, spondylocheirodysplastic type. Identifiers: Orphanet 157965, MedGen C2676510, MONDO:0012873, OMIM 612350.
Inborn genetic diseases. Identifiers: MedGen C0950123, MeSH D030342.

Allele frequency attached by ClinVar (database versions not stated): ExAC 0.00006; gnomAD 0.00006 and 0.00007; gnomAD exomes 0.00009 and 0.00005; TOPMed 0.00007.
gnomAD v4.1: 144 of 1,613,868 alleles (0.0089%); highest among the groups gnomAD compares: East Asian, 0.038%; 1 homozygote.

Submissions (3):

Mayo Clinic Laboratories, Mayo Clinic
Classification: Uncertain significance. Last evaluated: 2023-11-24. Review status: criteria provided, single submitter. Criteria: ACMG Guidelines, 2015. Collection method: clinical testing. Allele origin: germline. Observed: 1 variant allele.
Comment: BP4

Ambry Genetics
Classification: Likely benign for Inborn genetic diseases. Last evaluated: 2023-09-22. Review status: criteria provided, single submitter. Criteria: Ambry Variant Classification Scheme 2023. Collection method: clinical testing. Allele origin: germline.

Labcorp Genetics (formerly Invitae), Labcorp
Classification: Uncertain significance for Ehlers-Danlos syndrome, spondylodysplastic type, 3. Last evaluated: 2022-07-19. Review status: criteria provided, single submitter. Criteria: Invitae Variant Classification Sherloc (09022015). Collection method: clinical testing. Allele origin: germline.
Comment: This sequence change replaces arginine, which is basic and polar, with histidine, which is basic and polar, at codon 341 of the SLC39A13 protein (p.Arg341His). This variant is present in population databases (rs770908923, gnomAD 0.04%). This variant has not been reported in the literature in individuals affected with SLC39A13-related conditions. ClinVar contains an entry for this variant (Variation ID: 1371385). Algorithms developed to predict the effect of missense changes on protein structure and function output the following: SIFT: "Tolerated"; PolyPhen-2: "Benign"; Align-GVGD: "Class C0". The histidine amino acid residue is found in multiple mammalian species, which suggests that this missense change does not adversely affect protein function. In summary, the available evidence is currently insufficient to determine the role of this variant in disease. Therefore, it has been classified as a Variant of Uncertain Significance.